The following is an entry in ClinVar:

NM_005591.4(MRE11):c.107C>A (p.Thr36Lys)

Gene: MRE11 (MRE11 double strand break repair nuclease; minus strand). Cytogenetic location: 11q21.
Variant type: single nucleotide variant.
Coding change: c.107C>A on transcript NM_005591.4 (MANE Select); coding-DNA position 107, C replaced by A.
Protein change: p.Thr36Lys; replaces threonine 36 with lysine.
Molecular consequence: missense variant. On other transcripts: 5 prime UTR variant (3).
Genome position (GRCh38, 1-based): chr11:94,490,879, G>T on the plus strand (C>A on the coding strand, the complement: MRE11 is on the minus strand). VCF-style: chr11-94490879-G-T. GRCh37 (hg19) VCF-style: chr11-94224045-G-T.
Other names: c.107C>A, p.Thr36Lys (NM_001440466.1, NM_001440467.1, NM_001440468.1 and 21 more transcripts); c.32C>A, p.Thr11Lys (NM_001440471.1, NM_001440472.1, NM_001440479.1); c.-358C>A (NM_001440485.1, NM_001440486.1, NM_001440487.1); short protein forms T11K, T36K.
Identifiers: ClinVar variation 4885650 (VCV004885650.2).
Genomic context (GRCh38, chr11:94,490,879, plus strand): 5'-CAAACCACACTCACTTCATTTTCCTGGGCAAGTCTTAAAATTTCATCGAGTGTTACAAAC[G>T]TATCATTTCCTCTGACTGCATCTTTCTCCATAAATCCAAGATGAATATCTGTTGCAACTA-3'
Protein context (NP_005582.1, residues 26-46): MEKDAVRGND[Thr36Lys]FVTLDEILRL

ClinVar aggregate classification (germline): Uncertain significance (1 of 4 stars; one submission).

Submission:

Dasa
Classification: Uncertain significance. Last evaluated: 2025-05-27. Review status: criteria provided, single submitter. Criteria: DASA Assertion Criteria. Collection method: clinical testing. Allele origin: germline.
Comment: NM_005591.4(MRE11):c.107C>A (p.Thr36Lys) is a missense variant that results in the substitution of threonine with lysine. This variant is rare in population databases. Computational prediction algorithms are consistent with a deleterious effect. The currently available literature and clinical evidence are not sufficient to establish a definitive association between this variant and the reported condition. Therefore, this variant is classified as a variant of uncertain significance.